The following is an entry in ClinVar:

ClinVar aggregate classification (germline): Conflicting classifications of pathogenicity. Review status: criteria provided, conflicting classifications (1 of 4 stars). 8 submissions from 8 submitters: Uncertain significance (1); Benign (3); Likely benign (4). Last evaluated 2026-01-27.

Conditions:
Familial melanoma. Also called: Hereditary melanoma; Hereditary cutaneous melanoma. Identifiers: Orphanet 618, MedGen C1512419, MONDO:0018961.
Melanoma-pancreatic cancer syndrome. Identifiers: Orphanet 404560, MedGen C1838547, MONDO:0011713, OMIM 606719. Disease mechanism: loss of function.
Hereditary cancer-predisposing syndrome. Also called: Tumor predisposition; Hereditary neoplastic syndrome; Neoplastic Syndromes, Hereditary; Hereditary Cancer Syndrome. Identifiers: Orphanet 140162, MedGen C0027672, MeSH D009386, MONDO:0015356.

Allele frequency attached by ClinVar (database versions not stated): gnomAD exomes 0.00009; ExAC 0.00014; 1000 Genomes Project 0.00020; 1000 Genomes Project 30x 0.00031; gnomAD 0.00035 and 0.00038; TOPMed 0.00035; ESP Exome Variant Server 0.00054.
gnomAD v4.1: 98 of 1,605,346 alleles (0.0061%); highest among the groups gnomAD compares: African/African-American, 0.12%; no homozygotes.

Submissions (8):

Labcorp Genetics (formerly Invitae), Labcorp
Classification: Likely benign for Familial melanoma. Last evaluated: 2026-01-27. Review status: criteria provided, single submitter. Criteria: Invitae Variant Classification Sherloc (09022015). Collection method: clinical testing. Allele origin: germline.

GeneDx
Classification: Uncertain significance. Last evaluated: 2024-08-14. Review status: criteria provided, single submitter. Criteria: GeneDx Variant Classification Process June 2021. Collection method: clinical testing. Allele origin: germline. Affected: yes.
Comment: Published functional studies are inconclusive: protein expression and protein binding comparable to wildtype, inconclusive cell cycle arrest activity, and reduced protein abundance and methylation (PMID: 9473234, 19141585, 21462282); In silico analysis supports that this missense variant has a deleterious effect on protein structure/function; This variant is associated with the following publications: (PMID: 28866070, 9823374, 12461329, 9808520, 21462282, 19141585, 19360740, 9782052, 8841025, 26205736, 28767289, 11360201, 29533785, 16818274, 28765326, 18519632, 9751050, 27960642, 27756164, 12417040, 9473234, 9166859, 7718873, 35001868, 30038052)

Mendelics
Classification: Likely benign for Melanoma-pancreatic cancer syndrome. Last evaluated: 2024-04-09. Review status: criteria provided, single submitter. Criteria: ACMG Guidelines, 2015. Collection method: clinical testing. Allele origin: unknown.

Women's Health and Genetics/Laboratory Corporation of America, LabCorp
Classification: Benign. Last evaluated: 2021-12-17. Review status: criteria provided, single submitter. Criteria: LabCorp Variant Classification Summary - May 2015. Collection method: clinical testing. Allele origin: germline.
Comment: Variant summary: CDKN2A c.298G>T (p.Ala100Ser) results in a conservative amino acid change located in the Ankyrin repeat-containing domain (IPR020683) of the encoded protein sequence. Four of five in-silico tools predict a benign effect of the variant on protein function. The variant allele was found at a frequency of 9.7e-05 in 236362 control chromosomes, predominantly at a frequency of 0.0013 within the African or African-American subpopulation in the gnomAD database. The observed variant frequency within African or African-American control individuals in the gnomAD database is approximately 4-fold of the estimated maximal expected allele frequency for a pathogenic variant in CDKN2A causing Cutaneous Malignant Melanoma phenotype (0.0003), strongly suggesting that the variant is a benign polymorphism found primarily in populations of African or African-American origin. c.298G>T has been reported in the literature without strong evidence for causality (e.g. Yarbrough_1996, Gamieldien_1998, Klangby_1998, Yanagawa_2002, Agrawal_2009, Patel_2017, Shindo_2017, McWilliams_2018). These reports do not provide unequivocal conclusions about association of the variant with Cutaneous Malignant Melanoma. Experimental evidence indicated that the variant does not significantly affect protein function (Lindstrom_2001, Miller_2011, Ng_2018). Six clinical diagnostic laboratories have submitted clinical-significance assessments for this variant to ClinVar after 2014 and classified the variant with as benign (n=2), likely benign (n=2) and VUS (n=2). Based on the evidence outlined above, the variant was classified as benign.

Sema4
Classification: Likely benign for Hereditary cancer-predisposing syndrome. Last evaluated: 2021-05-10. Review status: criteria provided, single submitter. Criteria: Sema4 Curation Guidelines. Collection method: curation. Allele origin: germline.

Color Diagnostics, LLC DBA Color Health
Classification: Benign for Hereditary cancer-predisposing syndrome. Last evaluated: 2021-01-13. Review status: criteria provided, single submitter. Criteria: ACMG Guidelines, 2015. Collection method: clinical testing. Allele origin: germline.

Quest Diagnostics Nichols Institute San Juan Capistrano
Classification: Benign. Last evaluated: 2020-07-30. Review status: criteria provided, single submitter. Criteria: Quest Diagnostics criteria. Collection method: clinical testing. Allele origin: unknown.

Ambry Genetics
Classification: Likely benign for Hereditary cancer-predisposing syndrome. Last evaluated: 2019-01-04. Review status: criteria provided, single submitter. Criteria: Ambry Variant Classification Scheme 2023. Collection method: clinical testing. Allele origin: germline.

Literature cited by the submitters: PubMed 21462282 (cited by Women's Health and Genetics/Laboratory Corporation of America, LabCorp and Quest Diagnostics Nichols Institute San Juan Capistrano); PubMed 11360201 (cited by Women's Health and Genetics/Laboratory Corporation of America, LabCorp); PubMed 9808520 (cited by Women's Health and Genetics/Laboratory Corporation of America, LabCorp); PubMed 9473234 (cited by Women's Health and Genetics/Laboratory Corporation of America, LabCorp); PubMed 19141585 (cited by Women's Health and Genetics/Laboratory Corporation of America, LabCorp and Ambry Genetics); PubMed 9782052 (cited by Women's Health and Genetics/Laboratory Corporation of America, LabCorp); PubMed 28767289 (cited by Women's Health and Genetics/Laboratory Corporation of America, LabCorp and Quest Diagnostics Nichols Institute San Juan Capistrano); PubMed 27756164 (cited by Women's Health and Genetics/Laboratory Corporation of America, LabCorp); PubMed 27960642 (cited by Women's Health and Genetics/Laboratory Corporation of America, LabCorp); PubMed 28765326 (cited by Women's Health and Genetics/Laboratory Corporation of America, LabCorp); PubMed 9166859 (cited by Women's Health and Genetics/Laboratory Corporation of America, LabCorp); PubMed 16818274 (cited by Women's Health and Genetics/Laboratory Corporation of America, LabCorp); PubMed 18519632 (cited by Women's Health and Genetics/Laboratory Corporation of America, LabCorp); PubMed 7718873 (cited by Women's Health and Genetics/Laboratory Corporation of America, LabCorp); PubMed 29533785 (cited by Women's Health and Genetics/Laboratory Corporation of America, LabCorp and Quest Diagnostics Nichols Institute San Juan Capistrano); PubMed 28866070 (cited by Women's Health and Genetics/Laboratory Corporation of America, LabCorp); PubMed 12417040 (cited by Women's Health and Genetics/Laboratory Corporation of America, LabCorp); PubMed 30038052 (cited by Women's Health and Genetics/Laboratory Corporation of America, LabCorp); PubMed 8841025 (cited by 3 submitters); PubMed 12461329 (cited by Ambry Genetics); PubMed 19360740 (cited by Ambry Genetics); PubMed 9751050 (cited by Ambry Genetics).

NM_000077.5(CDKN2A):c.298G>T (p.Ala100Ser)

Gene: CDKN2A (cyclin dependent kinase inhibitor 2A; minus strand). Cytogenetic location: 9p21.3.
Variant type: single nucleotide variant.
Coding change: c.298G>T on transcript NM_000077.5; coding-DNA position 298, G replaced by T.
Protein change: p.Ala100Ser; replaces alanine 100 with serine.
Molecular consequence: missense variant (on NM_000077.6). On other transcripts: 3 prime UTR variant (1).
Genome position (GRCh38, 1-based): chr9:21,971,061, C>A on the plus strand (G>T on the coding strand, the complement: CDKN2A is on the minus strand). VCF-style: chr9-21971061-C-A. GRCh37 (hg19) VCF-style: chr9-21971060-C-A.
Other names: p.A100S:GCC>TCC; c.298G>T, p.Ala100Ser (NM_000077.6, NM_001195132.2); c.145G>T, p.Ala49Ser (NM_001363763.2); c.341G>T, p.Gly114Val (NM_058195.4); c.*221G>T (NM_058197.5); short protein forms A100S, G114V, A49S.
Identifiers: ClinVar variation 127524 (VCV000127524.28), dbSNP rs200863613, ClinGen allele CA287163.